The following is an entry in ClinVar:

ClinVar aggregate classification (germline): Uncertain significance (1 of 4 stars; one submission).

Submission:

GeneDx
Classification: Uncertain significance. Last evaluated: 2014-06-11. Review status: criteria provided, single submitter. Criteria: GeneDx Variant Classification (06012015). Collection method: clinical testing. Allele origin: germline. Affected: yes.
Comment: p.Glu163Gly (GAA>GGA): c.488 A>G in exon 9 of the MBD5 gene (NM_018328.4) The E163G variant has not been published as a mutation, nor has it been reported as a benign polymorphism to our knowledge. It was not observed in approximately 6,500 individuals of European and African American ancestry in the NHLBI Exome Sequencing Project, indicating it is not a common benign variant in these populations. The E163G variant is a non-conservative amino acid substitution, which is likely to impact secondary protein structure as these residues differ in polarity, charge, size and/or other properties. This substitution occurs at a position that is conserved across mammals. However, in silico analysis is inconsistent in its predictions as to whether or not the variant is damaging to the protein structure/function, and to our knowledge, only deletions and frameshift mutations in MBD5 have been published in association with epilepsy. Therefore, based on the currently available information, it is unclear whether this variant is a pathogenic mutation or a rare benign variant. The variant is found in RETT-EPI panel(s).

NM_001378120.1(MBD5):c.488A>G (p.Glu163Gly)

Gene: MBD5 (methyl-CpG binding domain protein 5; plus strand). Cytogenetic location: 2q23.1.
Variant type: single nucleotide variant.
Coding change: c.488A>G on transcript NM_001378120.1 (MANE Select); coding-DNA position 488, A replaced by G.
Protein change: p.Glu163Gly; replaces glutamic acid 163 with glycine.
Molecular consequence: missense variant.
Genome position (GRCh38, 1-based): chr2:148,468,431, A>G. VCF-style: chr2-148468431-A-G. GRCh37 (hg19) VCF-style: chr2-149226000-A-G.
Other names: p.E163G:GAA>GGA; c.488A>G, p.Glu163Gly (NM_018328.5); short protein forms E163G.
Identifiers: ClinVar variation 206058 (VCV000206058.2), dbSNP rs796052706, ClinGen allele CA315772.